The following is an entry in ClinVar:

NM_001127222.2(CACNA1A):c.3782C>G (p.Ala1261Gly)

Gene: CACNA1A (calcium voltage-gated channel subunit alpha1 A; minus strand). Cytogenetic location: 19p13.13.
Variant type: single nucleotide variant.
Coding change: c.3782C>G on transcript NM_001127222.2 (MANE Select); coding-DNA position 3782, C replaced by G.
Protein change: p.Ala1261Gly; replaces alanine 1261 with glycine.
Molecular consequence: missense variant.
Genome position (GRCh38, 1-based): chr19:13,283,307, G>C on the plus strand (C>G on the coding strand, the complement: CACNA1A is on the minus strand). VCF-style: chr19-13283307-G-C. GRCh37 (hg19) VCF-style: chr19-13394121-G-C.
Other names: c.3794C>G, p.Ala1265Gly (NM_000068.4, NM_023035.3); c.3785C>G, p.Ala1262Gly (NM_001127221.2, NM_001174080.2); short protein forms A1261G, A1262G, A1265G.
Identifiers: ClinVar variation 3897502 (VCV003897502.1).
Genomic context (GRCh38, chr19:13,283,307, plus strand): 5'-GTGTGCTCTGTGGGACTCACGTTGTTCCGAGGTGCGTTGGGCTGCACAGGGTCCTCGGCG[G>C]CCAGGGCGATGCTGCTCATGGCAATGACCATGAGGATGCACATCTCAAAGTAGCGCAGGT-3'
Protein context (NP_001120694.1, residues 1251-1271): MVIAMSSIAL[Ala1261Gly]AEDPVQPNAP

ClinVar aggregate classification (germline): Uncertain significance (1 of 4 stars; one submission).

Submission:

GeneDx
Classification: Uncertain significance. Last evaluated: 2024-11-01. Review status: criteria provided, single submitter. Criteria: GeneDx Variant Classification Process June 2021. Collection method: clinical testing. Allele origin: germline. Affected: yes.
Comment: Not observed at significant frequency in large population cohorts (gnomAD); In silico analysis supports that this missense variant has a deleterious effect on protein structure/function; Has not been previously published as pathogenic or benign to our knowledge